The following is an entry in ClinVar:

NM_017799.4(TMEM260):c.2112G>A (p.Arg704=)

Gene: TMEM260 (transmembrane protein 260; plus strand). Cytogenetic location: 14q22.3.
Variant type: single nucleotide variant.
Coding change: c.2112G>A on transcript NM_017799.4 (MANE Select); coding-DNA position 2112, G replaced by A.
Protein change: p.Arg704=; no amino-acid change (arginine 704 retained).
Molecular consequence: synonymous variant.
Genome position (GRCh38, 1-based): chr14:56,647,485, G>A. VCF-style: chr14-56647485-G-A. GRCh37 (hg19) VCF-style: chr14-57114203-G-A.
Identifiers: ClinVar variation 3034708 (VCV003034708.2), dbSNP rs755009282, ClinGen allele CA7200360.

ClinVar aggregate classification (germline): Likely benign (0 of 4 stars; one submission).

Conditions:
TMEM260-related disorder. Also called: TMEM260-related condition.

Allele frequency attached by ClinVar (database versions not stated): gnomAD exomes 0.00001; TOPMed 0.00001; ExAC 0.00002.
gnomAD v4.1: 5 of 1,594,634 alleles (0.00031%); highest among the groups gnomAD compares: Admixed American, 0.0091%; no homozygotes.

Submission:

PreventionGenetics, part of Exact Sciences
Classification: Likely benign for TMEM260-related condition. Last evaluated: 2019-08-14. Review status: no assertion criteria provided. Collection method: clinical testing. Allele origin: germline.
Comment: This variant is classified as likely benign based on ACMG/AMP sequence variant interpretation guidelines (Richards et al. 2015 PMID: 25741868, with internal and published modifications).